The following is an entry in ClinVar:

ClinVar aggregate classification (germline): Likely benign. Review status: criteria provided, multiple submitters, no conflicts (2 of 4 stars). 2 submissions from 2 submitters: Likely benign (2). Last evaluated 2025-09-01.

Allele frequency attached by ClinVar (database versions not stated): gnomAD exomes below 0.00001; ExAC 0.00001.
gnomAD v4.1: 2 of 1,613,512 alleles (0.00012%); highest among the groups gnomAD compares: Admixed American, 0.0033%; no homozygotes.

Submissions (2):

Mayo Clinic Laboratories, Mayo Clinic
Classification: Likely benign. Last evaluated: 2025-09-01. Review status: criteria provided, single submitter. Criteria: ACMG Guidelines, 2015. Collection method: clinical testing. Allele origin: germline. Observed: 1 variant allele.
Comment: BP4, BP7

Labcorp Genetics (formerly Invitae), Labcorp
Classification: Likely benign. Last evaluated: 2023-08-30. Review status: criteria provided, single submitter. Criteria: Invitae Variant Classification Sherloc (09022015). Collection method: clinical testing. Allele origin: germline.

NM_001791.4(CDC42):c.51A>G (p.Thr17=)

Gene: CDC42 (cell division cycle 42; plus strand). Cytogenetic location: 1p36.12.
Variant type: single nucleotide variant.
Coding change: c.51A>G on transcript NM_001791.4 (MANE Select); coding-DNA position 51, A replaced by G.
Protein change: p.Thr17=; no amino-acid change (threonine 17 retained).
Molecular consequence: synonymous variant.
Genome position (GRCh38, 1-based): chr1:22,078,529, A>G. VCF-style: chr1-22078529-A-G. GRCh37 (hg19) VCF-style: chr1-22405022-A-G.
Other names: p.Thr17=; c.51A>G, p.Thr17= (NM_001039802.2, NM_044472.3).
Identifiers: ClinVar variation 2118254 (VCV002118254.5), dbSNP rs775718828, ClinGen allele CA675022.